The following is an entry in ClinVar:

ClinVar aggregate classification (germline): Uncertain significance. Review status: criteria provided, multiple submitters, no conflicts (2 of 4 stars). 3 submissions from 3 submitters: Uncertain significance (2). 1 of the submissions does not count toward it. Last evaluated 2025-04-02.

Conditions:
Inborn genetic diseases. Identifiers: MedGen C0950123, MeSH D030342.
WFS1-related disorder. Identifiers: MedGen CN379391, MONDO:0700293.

gnomAD v4.1: 14 of 1,612,844 alleles (0.00087%); highest among the groups gnomAD compares: Admixed American, 0.0033%; no homozygotes.

Submissions (3):

Ambry Genetics
Classification: Uncertain significance for Inborn genetic diseases. Last evaluated: 2025-04-02. Review status: criteria provided, single submitter. Criteria: Ambry Variant Classification Scheme 2023. Collection method: clinical testing. Allele origin: germline.

Labcorp Genetics (formerly Invitae), Labcorp
Classification: Uncertain significance. Last evaluated: 2024-10-29. Review status: criteria provided, single submitter. Criteria: Invitae Variant Classification Sherloc (09022015). Collection method: clinical testing. Allele origin: germline.
Comment: This sequence change replaces asparagine, which is neutral and polar, with serine, which is neutral and polar, at codon 721 of the WFS1 protein (p.Asn721Ser). This variant is present in population databases (rs753696387, gnomAD 0.009%). This variant has not been reported in the literature in individuals affected with WFS1-related conditions. ClinVar contains an entry for this variant (Variation ID: 1441304). Invitae Evidence Modeling of protein sequence and biophysical properties (such as structural, functional, and spatial information, amino acid conservation, physicochemical variation, residue mobility, and thermodynamic stability) has been performed for this missense variant. However, the output from this modeling did not meet the statistical confidence thresholds required to predict the impact of this variant on WFS1 protein function. In summary, the available evidence is currently insufficient to determine the role of this variant in disease. Therefore, it has been classified as a Variant of Uncertain Significance.

PreventionGenetics, part of Exact Sciences
Classification: Uncertain significance for WFS1-related condition. Last evaluated: 2024-08-06. Review status: no assertion criteria provided. Collection method: clinical testing. Allele origin: germline. Not counted in ClinVar's aggregate classification.
Comment: The WFS1 c.2162A>G variant is predicted to result in the amino acid substitution p.Asn721Ser. To our knowledge, this variant has not been reported in the literature. This variant is reported in 0.0093% of alleles in individuals of European (Finnish) descent in gnomAD. At this time, the clinical significance of this variant is uncertain due to the absence of conclusive functional and genetic evidence.

NM_006005.3(WFS1):c.2162A>G (p.Asn721Ser)

Gene: WFS1 (wolframin ER transmembrane glycoprotein; plus strand). Cytogenetic location: 4p16.1.
Variant type: single nucleotide variant.
Coding change: c.2162A>G on transcript NM_006005.3 (MANE Select); coding-DNA position 2162, A replaced by G.
Protein change: p.Asn721Ser; replaces asparagine 721 with serine.
Molecular consequence: missense variant.
Genome position (GRCh38, 1-based): chr4:6,301,957, A>G. VCF-style: chr4-6301957-A-G. GRCh37 (hg19) VCF-style: chr4-6303684-A-G.
Other names: c.2162A>G, p.Asn721Ser (NM_001145853.1); short protein forms N721S.
Identifiers: ClinVar variation 1441304 (VCV001441304.9), dbSNP rs753696387, ClinGen allele CA2839630.